The following is an entry in ClinVar:

ClinVar aggregate classification (germline): Uncertain significance (1 of 4 stars; one submission).

Conditions:
Jeune thoracic dystrophy. Also called: Jeune syndrome; Infantile thoracic dystrophy; Thoracic pelvic phalangeal dystrophy; Jeune's syndrome; Chondroectodermal dysplasia-like syndrome; Short-rib thoracic dysplasia. Identifiers: Orphanet 474, MedGen C0265275, MONDO:0018770.

gnomAD v4.1: 14 of 1,613,696 alleles (0.00087%); highest among the groups gnomAD compares: Non-Finnish European, 0.00017%; no homozygotes.

Submission:

Labcorp Genetics (formerly Invitae), Labcorp
Classification: Uncertain significance for Jeune thoracic dystrophy. Last evaluated: 2025-12-08. Review status: criteria provided, single submitter. Criteria: Invitae Variant Classification Sherloc (09022015). Collection method: clinical testing. Allele origin: germline.
Comment: This sequence change replaces serine, which is neutral and polar, with cysteine, which is neutral and slightly polar, at codon 56 of the DYNC2H1 protein (p.Ser56Cys). This variant is present in population databases (no rsID available, gnomAD 0.03%). This variant has not been reported in the literature in individuals affected with DYNC2H1-related conditions. Invitae Evidence Modeling of protein sequence and biophysical properties (such as structural, functional, and spatial information, amino acid conservation, physicochemical variation, residue mobility, and thermodynamic stability) indicates that this missense variant is not expected to disrupt DYNC2H1 protein function with a negative predictive value of 95%. In summary, the available evidence is currently insufficient to determine the role of this variant in disease. Therefore, it has been classified as a Variant of Uncertain Significance.

NM_001377.3(DYNC2H1):c.167C>G (p.Ser56Cys)

Gene: DYNC2H1 (dynein cytoplasmic 2 heavy chain 1; plus strand). Cytogenetic location: 11q22.3.
Variant type: single nucleotide variant.
Coding change: c.167C>G on transcript NM_001377.3 (MANE Select); coding-DNA position 167, C replaced by G.
Protein change: p.Ser56Cys; replaces serine 56 with cysteine.
Molecular consequence: missense variant.
Genome position (GRCh38, 1-based): chr11:103,109,741, C>G. VCF-style: chr11-103109741-C-G. GRCh37 (hg19) VCF-style: chr11-102980470-C-G.
Other names: c.167C>G, p.Ser56Cys (NM_001080463.2); short protein forms S56C.
Identifiers: ClinVar variation 4740056 (VCV004740056.1).